The following is an entry in ClinVar:

ClinVar aggregate classification (germline): Uncertain significance (1 of 4 stars; one submission).

Conditions:
EBF2-related condition.

Submission:

PreventionGenetics, part of Exact Sciences
Classification: Uncertain significance for EBF2-related condition. Last evaluated: 2026-07-31. Review status: criteria provided, single submitter. Criteria: ACMG Guidelines, 2015. Collection method: clinical testing. Allele origin: germline.
Comment: The EBF2 c.328_337del10 variant is predicted to result in a frameshift and premature protein termination (p.Lys110Serfs*42). To our knowledge, this variant has not been reported in the literature or in a large population database (gnomAD), indicating this variant is rare.  Loss of function is not an established mechanism of EBF2-related disease; however, this gene does appear to possibly be loss-of-function intolerant (pLI=1). At this time, the clinical significance of this variant is uncertain due to the absence of conclusive functional and genetic evidence.

NM_022659.4(EBF2):c.328_337del (p.Lys110fs)

Gene: EBF2 (EBF transcription factor 2; minus strand). Cytogenetic location: 8p21.2.
Variant type: Deletion.
Coding change: c.328_337del on transcript NM_022659.4 (MANE Select); coding-DNA positions 328 to 337, 10 bases deleted (AAGTTACAGC; older notation c.328_337delAAGTTACAGC).
Protein change: p.Lys110fs; shifts the reading frame from lysine 110.
Molecular consequence: frameshift variant.
Genome position (GRCh38, 1-based): chr8:26,040,954-26,040,963, GCTGTAACTT deleted on the plus strand (AAGTTACAGC on the coding strand, the reverse complement: EBF2 is on the minus strand); deleting any 10 consecutive bases within chr8:26,040,954-26,040,964 gives the same sequence; the c. name uses the placement nearest the transcript's 3' end. VCF-style (leftmost placement, unchanged base first): chr8-26040953-AGCTGTAACTT-A. GRCh37 (hg19) VCF-style: chr8-25898469-AGCTGTAACTT-A.
Other names: short protein forms K110fs.
Identifiers: ClinVar variation 4995065 (VCV004995065.1).
Genomic context (GRCh38, chr8:26,040,953, plus strand): 5'-AGCCGGCTGCTAGGCGCCGGCTCACCGTTGCTGTAGAAGAGCTCACCGTTGCTGTAGAGG[AGCTGTAACTT>A]GTAGTGAGTGCCGTTGTTGGTCTTCTCGTTGCCTTGTTCCTGAAAAGACAGGCAGCGTTC-3'